The following is an entry in ClinVar:

ClinVar aggregate classification (germline): Uncertain significance. Review status: criteria provided, multiple submitters, no conflicts (2 of 4 stars). 2 submissions from 2 submitters: Uncertain significance (2). Last evaluated 2025-05-02.

Allele frequency attached by ClinVar (database versions not stated): gnomAD exomes 0.00002 and below 0.00001; gnomAD 0.00003 and 0.00002; ESP Exome Variant Server 0.00008; 1000 Genomes Project 30x 0.00016; ExAC 0.00002; TOPMed 0.00002; 1000 Genomes Project 0.00020.

Submissions (2):

GeneDx
Classification: Uncertain significance. Last evaluated: 2025-05-02. Review status: criteria provided, single submitter. Criteria: GeneDx Variant Classification Process June 2021. Collection method: clinical testing. Allele origin: germline. Affected: yes.
Comment: In silico analysis suggests that this missense variant does not alter protein structure/function; Has not been previously published as pathogenic or benign to our knowledge

Labcorp Genetics (formerly Invitae), Labcorp
Classification: Uncertain significance. Last evaluated: 2024-10-23. Review status: criteria provided, single submitter. Criteria: Invitae Variant Classification Sherloc (09022015). Collection method: clinical testing. Allele origin: germline.
Comment: This sequence change replaces asparagine, which is neutral and polar, with aspartic acid, which is acidic and polar, at codon 82 of the ASAH1 protein (p.Asn82Asp). This variant is present in population databases (rs139299169, gnomAD 0.03%). This variant has not been reported in the literature in individuals affected with ASAH1-related conditions. ClinVar contains an entry for this variant (Variation ID: 1505257). Invitae Evidence Modeling of protein sequence and biophysical properties (such as structural, functional, and spatial information, amino acid conservation, physicochemical variation, residue mobility, and thermodynamic stability) indicates that this missense variant is not expected to disrupt ASAH1 protein function with a negative predictive value of 80%. In summary, the available evidence is currently insufficient to determine the role of this variant in disease. Therefore, it has been classified as a Variant of Uncertain Significance.

NM_177924.5(ASAH1):c.244A>G (p.Asn82Asp)

Gene: ASAH1 (N-acylsphingosine amidohydrolase 1; minus strand). Cytogenetic location: 8p22.
Variant type: single nucleotide variant.
Coding change: c.244A>G on transcript NM_177924.5 (MANE Select); coding-DNA position 244, A replaced by G.
Protein change: p.Asn82Asp; replaces asparagine 82 with aspartic acid.
Molecular consequence: missense variant. On other transcripts: intron variant (1).
Genome position (GRCh38, 1-based): chr8:18,069,851, T>C on the plus strand (A>G on the coding strand, the complement: ASAH1 is on the minus strand). VCF-style: chr8-18069851-T-C. GRCh37 (hg19) VCF-style: chr8-17927360-T-C.
Other names: c.49A>G, p.Asn17Asp (NM_001363743.2); c.292A>G, p.Asn98Asp (NM_004315.6); c.285+1449A>G (NM_001127505.3); c.244A>G (NM_177924.3); short protein forms N17D, N82D, N98D.
Identifiers: ClinVar variation 1505257 (VCV001505257.8), dbSNP rs139299169, ClinGen allele CA4650951.